The following is an entry in ClinVar:

NM_001130009.3(GEN1):c.1795C>A (p.Pro599Thr)

Gene: GEN1 (GEN1 structure-specific endonuclease; plus strand). Cytogenetic location: 2p24.2.
Variant type: single nucleotide variant.
Coding change: c.1795C>A on transcript NM_001130009.3 (MANE Select); coding-DNA position 1795, C replaced by A.
Protein change: p.Pro599Thr; replaces proline 599 with threonine.
Molecular consequence: missense variant.
Genome position (GRCh38, 1-based): chr2:17,781,007, C>A. VCF-style: chr2-17781007-C-A. GRCh37 (hg19) VCF-style: chr2-17962274-C-A.
Other names: c.1795C>A, p.Pro599Thr (NM_182625.5); c.1795C>A (NM_001130009.1); short protein forms P599T.
Identifiers: ClinVar variation 3629017 (VCV003629017.3).

ClinVar aggregate classification (germline): Uncertain significance. Review status: criteria provided, multiple submitters, no conflicts (2 of 4 stars). 2 submissions from 2 submitters: Uncertain significance (2). Last evaluated 2025-07-10.

gnomAD v4.1: 2 of 1,613,548 alleles (0.00012%); highest among the groups gnomAD compares: African/African-American, 0.0027%; no homozygotes.

Submissions (2):

Ambry Genetics
Classification: Uncertain significance. Last evaluated: 2025-07-10. Review status: criteria provided, single submitter. Criteria: Ambry Variant Classification Scheme 2023. Collection method: clinical testing. Allele origin: germline.
Comment: The p.P599T variant (also known as c.1795C>A), located in coding exon 13 of the GEN1 gene, results from a C to A substitution at nucleotide position 1795. The proline at codon 599 is replaced by threonine, an amino acid with highly similar properties. This amino acid position is conserved. In addition, this alteration is predicted to be tolerated by in silico analysis. Based on the available evidence, the clinical significance of this variant remains unclear.

Labcorp Genetics (formerly Invitae), Labcorp
Classification: Uncertain significance. Last evaluated: 2024-03-24. Review status: criteria provided, single submitter. Criteria: Invitae Variant Classification Sherloc (09022015). Collection method: clinical testing. Allele origin: germline.
Comment: This sequence change replaces proline, which is neutral and non-polar, with threonine, which is neutral and polar, at codon 599 of the GEN1 protein (p.Pro599Thr). This variant is not present in population databases (gnomAD no frequency). This variant has not been reported in the literature in individuals affected with GEN1-related conditions. An algorithm developed to predict the effect of missense changes on protein structure and function (PolyPhen-2) suggests that this variant is likely to be disruptive. In summary, the available evidence is currently insufficient to determine the role of this variant in disease. Therefore, it has been classified as a Variant of Uncertain Significance.